The following is an entry in ClinVar:

NM_000222.3(KIT):c.2922C>G (p.Asp974Glu)

Gene: KIT (KIT proto-oncogene, receptor tyrosine kinase; plus strand). Cytogenetic location: 4q12.
Variant type: single nucleotide variant.
Coding change: c.2922C>G on transcript NM_000222.3 (MANE Select); coding-DNA position 2922, C replaced by G.
Protein change: p.Asp974Glu; replaces aspartic acid 974 with glutamic acid.
Molecular consequence: missense variant.
Genome position (GRCh38, 1-based): chr4:54,738,548, C>G. VCF-style: chr4-54738548-C-G. GRCh37 (hg19) VCF-style: chr4-55604714-C-G.
Other names: c.2910C>G, p.Asp970Glu (NM_001093772.2, NM_001385292.1); c.2925C>G, p.Asp975Glu (NM_001385284.1); c.2919C>G, p.Asp973Glu (NM_001385285.1); c.2907C>G, p.Asp969Glu (NM_001385286.1); c.2913C>G, p.Asp971Glu (NM_001385288.1); c.2922C>G, p.Asp974Glu (NM_001385290.1); short protein forms D971E, D973E, D975E, D969E, D970E, D974E.
Identifiers: ClinVar variation 2896655 (VCV002896655.3), dbSNP rs1401923759, ClinGen allele CA356916629.

ClinVar aggregate classification (germline): Uncertain significance (1 of 4 stars; one submission).

Conditions:
Gastrointestinal stromal tumor. Also called: Gastrointestinal stromal tumor, somatic; Gastrointestinal stroma tumor. Identifiers: Orphanet 44890, MedGen C0238198, MeSH D046152, MONDO:0011719, OMIM 606764, HP:0100723.

Submission:

Labcorp Genetics (formerly Invitae), Labcorp
Classification: Uncertain significance for Gastrointestinal stromal tumor. Last evaluated: 2023-07-13. Review status: criteria provided, single submitter. Criteria: Invitae Variant Classification Sherloc (09022015). Collection method: clinical testing. Allele origin: germline.
Comment: This sequence change replaces aspartic acid, which is acidic and polar, with glutamic acid, which is acidic and polar, at codon 974 of the KIT protein (p.Asp974Glu). This variant is not present in population databases (gnomAD no frequency). This variant has not been reported in the literature in individuals affected with KIT-related conditions. Algorithms developed to predict the effect of missense changes on protein structure and function output the following: SIFT: "Not Available"; PolyPhen-2: "Benign"; Align-GVGD: "Not Available". The glutamic acid amino acid residue is found in multiple mammalian species, which suggests that this missense change does not adversely affect protein function. In summary, the available evidence is currently insufficient to determine the role of this variant in disease. Therefore, it has been classified as a Variant of Uncertain Significance.